The following is an entry in ClinVar:

ClinVar aggregate classification (germline): Pathogenic. Review status: criteria provided, single submitter (1 of 4 stars). 2 submissions from 2 submitters: Pathogenic (1). 1 of the submissions does not count toward it. Last evaluated 2025-10-27.

Conditions:
Primary ciliary dyskinesia. Also called: Ciliary dyskinesia. Identifiers: Orphanet 244, MedGen C0008780, MONDO:0016575, HP:0012265.

Submissions (2):

Labcorp Genetics (formerly Invitae), Labcorp
Classification: Pathogenic for Primary ciliary dyskinesia. Last evaluated: 2025-10-27. Review status: criteria provided, single submitter. Criteria: Invitae Variant Classification Sherloc (09022015). Collection method: clinical testing. Allele origin: germline.
Comment: This sequence change creates a premature translational stop signal (p.Leu280Phefs*18) in the RPGR gene. It is expected to result in an absent or disrupted protein product. Loss-of-function variants in RPGR are known to be pathogenic (PMID: 16055928, 16969763). This variant is not present in population databases (gnomAD no frequency). This premature translational stop signal has been observed in individual(s) with retinitis pigmentosa (PMID: 10937588). This variant is also known as delT@Phe279. ClinVar contains an entry for this variant (Variation ID: 98805). Algorithms developed to predict the effect of variants on gene product structure and function are not available or were not evaluated for this variant. Experimental studies have shown that this premature translational stop signal affects RPGR function (PMID: 19815619). For these reasons, this variant has been classified as Pathogenic.

Retina International
No classification provided. Review status: no classification provided. Collection method: not provided. Allele origin: not provided. Not counted in ClinVar's aggregate classification.

Literature cited by the submitters: PubMed 16055928 (cited by Labcorp Genetics (formerly Invitae), Labcorp); PubMed 16969763 (cited by Labcorp Genetics (formerly Invitae), Labcorp); PubMed 10937588 (cited by Labcorp Genetics (formerly Invitae), Labcorp); PubMed 19815619 (cited by Labcorp Genetics (formerly Invitae), Labcorp).

NM_001034853.2(RPGR):c.837del (p.Leu280fs)

Gene: RPGR (retinitis pigmentosa GTPase regulator; minus strand). Cytogenetic location: Xp11.4.
Variant type: Deletion.
Coding change: c.837del on transcript NM_001034853.2 (MANE Select); coding-DNA position 837, one base deleted (T; older notation c.837delT).
Protein change: p.Leu280fs; shifts the reading frame from leucine 280.
Molecular consequence: frameshift variant. On other transcripts: non-coding transcript variant (5).
Genome position (GRCh38, 1-based): chrX:38,304,732, A deleted on the plus strand (T on the coding strand, the reverse complement: RPGR is on the minus strand); the first of 4 consecutive A bases (chrX:38,304,732-38,304,735); deleting any one gives the same sequence. VCF-style (leftmost placement, unchanged base first): chrX-38304731-GA-G. GRCh37 (hg19) VCF-style: chrX-38163984-GA-G.
Other names: c.837del, p.Leu280fs (NM_000328.3, NM_001367246.1, NM_001367247.1 and 1 more transcripts); c.834del, p.Leu279fs (NM_001367245.1, NM_001367249.1, NM_001367250.1); c.867del, p.Leu290fs (NM_001367248.1); short protein forms L290fs, L280fs, L279fs.
Identifiers: ClinVar variation 98805 (VCV000098805.6), dbSNP rs62640586, ClinGen allele CA226451.